The following is an entry in ClinVar:

ClinVar aggregate classification (germline): Uncertain significance (1 of 4 stars; one submission).

Conditions:
Immunodeficiency 14 (IMD14A). Also called: ACTIVATED PI3K-DELTA SYNDROME 1; IMMUNODEFICIENCY 14A WITH LYMPHOPROLIFERATION, AUTOSOMAL DOMINANT; Activated PI3K Delta Syndrome Type 1 (APDS1); p110-DELTA-ACTIVATING MUTATION CAUSING SENESCENT T CELLS, LYMPHADENOPATHY, AND IMMUNODEFICIENCY. Identifiers: Orphanet 397596, Orphanet 693661, MedGen C5907821, MONDO:0014222, OMIM 615513.

Allele frequency attached by ClinVar (database versions not stated): gnomAD exomes below 0.00001.
gnomAD v4.1: 5 of 1,613,600 alleles (0.00031%); highest among the groups gnomAD compares: Non-Finnish European, 0.00042%; no homozygotes.

Submissions (2):

Institute of Human Genetics, University of Leipzig Medical Center
Classification: Uncertain significance for Immunodeficiency 14. Last evaluated: 2020-08-31. Review status: criteria provided, single submitter. Criteria: ACMG Guidelines, 2015. Collection method: clinical testing. Allele origin: unknown. Affected: yes.

Dr. Peter K. Rogan Lab, Western University
No classification provided (evidence only). Condition: Uterine corpus endometrial carcinoma. Review status: no classification provided. Collection method: in vitro. Allele origin: not applicable. Functional consequence: retained intron. Not counted in ClinVar's aggregate classification.

NM_005026.5(PIK3CD):c.2455G>A (p.Gly819Arg)

Gene: PIK3CD (phosphatidylinositol-4,5-bisphosphate 3-kinase catalytic subunit delta; plus strand). Cytogenetic location: 1p36.22.
Variant type: single nucleotide variant.
Coding change: c.2455G>A on transcript NM_005026.5 (MANE Select); coding-DNA position 2455, G replaced by A.
Protein change: p.Gly819Arg; replaces glycine 819 with arginine.
Molecular consequence: missense variant.
Genome position (GRCh38, 1-based): chr1:9,723,153, G>A. VCF-style: chr1-9723153-G-A. GRCh37 (hg19) VCF-style: chr1-9783211-G-A.
Other names: NC_000001.10:g.9783211G>A; c.2452G>A, p.Gly818Arg (NM_001350234.2); c.2368G>A, p.Gly790Arg (NM_001350235.1); short protein forms G790R, G818R, G819R.
Identifiers: ClinVar variation 982700 (VCV000982700.3), dbSNP rs1648958091, ClinGen allele CA338306065.
Genomic context (GRCh38, chr1:9,723,153, plus strand): 5'-CCATTTGCCCGTCCCTCTTCCCCCTTGCCTAGGATGACCCCCTATGGCTGCCTCCCCACC[G>A]GGGACCGCACAGGCCTCATTGAGGTGGTACTCCGTTCAGACACCATCGCCAACATCCAAC-3'
Protein context (NP_005017.3, residues 809-829): RMTPYGCLPT[Gly819Arg]DRTGLIEVVL